The following is an entry in ClinVar:

NM_020911.2(PLXNA4):c.840C>T (p.Leu280=)

Gene: PLXNA4 (plexin A4; minus strand). Cytogenetic location: 7q32.3.
Variant type: single nucleotide variant.
Coding change: c.840C>T on transcript NM_020911.2 (MANE Select); coding-DNA position 840, C replaced by T.
Protein change: p.Leu280=; no amino-acid change (leucine 280 retained).
Molecular consequence: synonymous variant.
Genome position (GRCh38, 1-based): chr7:132,507,854, G>A on the plus strand (C>T on the coding strand, the complement: PLXNA4 is on the minus strand). VCF-style: chr7-132507854-G-A. GRCh37 (hg19) VCF-style: chr7-132192613-G-A.
Other names: c.840C>T, p.Leu280= (NM_001105543.2, NM_001393897.1, NM_181775.4).
Identifiers: ClinVar variation 3061489 (VCV003061489.2), dbSNP rs768862717, ClinGen allele CA4490436.
Genomic context (GRCh38, chr7:132,507,854, plus strand): 5'-ACAGCCAATGGGCACCTCTACATAGGAGTTGAAGGCTGTGTCCTCCTTGCAAAGCCTCAC[G>A]AGCTTGGATGTATACACCTGCTCCTTGGTGGTGGAGCCTGGTGGAGACACCATCTCAGGT-3'
Protein context (NP_065962.1, residues 270-290): TTKEQVYTSK[Leu280=]VRLCKEDTAF

ClinVar aggregate classification (germline): Likely benign (0 of 4 stars; one submission).

Conditions:
PLXNA4-related disorder. Also called: PLXNA4-related condition.

Allele frequency attached by ClinVar (database versions not stated): gnomAD 0.00001; gnomAD exomes 0.00002; TOPMed 0.00004; ExAC 0.00011.
gnomAD v4.1: 27 of 1,614,040 alleles (0.0017%); highest among the groups gnomAD compares: African/African-American, 0.004%; no homozygotes.

Submission:

PreventionGenetics, part of Exact Sciences
Classification: Likely benign for PLXNA4-related condition. Last evaluated: 2022-01-13. Review status: no assertion criteria provided. Collection method: clinical testing. Allele origin: germline.
Comment: This variant is classified as likely benign based on ACMG/AMP sequence variant interpretation guidelines (Richards et al. 2015 PMID: 25741868, with internal and published modifications).